The following is an entry in ClinVar:

ClinVar aggregate classification (germline): Uncertain significance (1 of 4 stars; one submission).

Conditions:
Sulfite oxidase deficiency due to molybdenum cofactor deficiency type C. Also called: Molybdenum cofactor deficiency C; Molybdenum cofactor deficiency, complementation group C. Identifiers: Orphanet 308400, Orphanet 833, MedGen C1854990, MONDO:0014212, OMIM 615501.

Submission:

Labcorp Genetics (formerly Invitae), Labcorp
Classification: Uncertain significance for Sulfite oxidase deficiency due to molybdenum cofactor deficiency type C. Last evaluated: 2024-03-03. Review status: criteria provided, single submitter. Criteria: Invitae Variant Classification Sherloc (09022015). Collection method: clinical testing. Allele origin: germline.
Comment: This sequence change replaces arginine, which is basic and polar, with tryptophan, which is neutral and slightly polar, at codon 485 of the GPHN protein (p.Arg485Trp). This variant is not present in population databases (gnomAD no frequency). This variant has not been reported in the literature in individuals affected with GPHN-related conditions. Advanced modeling of protein sequence and biophysical properties (such as structural, functional, and spatial information, amino acid conservation, physicochemical variation, residue mobility, and thermodynamic stability) performed at Invitae indicates that this missense variant is not expected to disrupt GPHN protein function with a negative predictive value of 80%. In summary, the available evidence is currently insufficient to determine the role of this variant in disease. Therefore, it has been classified as a Variant of Uncertain Significance.

NM_020806.5(GPHN):c.1453C>T (p.Arg485Trp)

Gene: GPHN (gephyrin; plus strand). Cytogenetic location: 14q23.3.
Variant type: single nucleotide variant.
Coding change: c.1453C>T on transcript NM_020806.5 (MANE Select); coding-DNA position 1453, C replaced by T.
Protein change: p.Arg485Trp; replaces arginine 485 with tryptophan.
Molecular consequence: missense variant.
Genome position (GRCh38, 1-based): chr14:67,111,900, C>T. VCF-style: chr14-67111900-C-T. GRCh37 (hg19) VCF-style: chr14-67578617-C-T.
Other names: c.1354C>T, p.Arg452Trp (NM_001024218.2); c.1513C>T, p.Arg505Trp (NM_001377514.1); c.1483C>T, p.Arg495Trp (NM_001377515.1); c.1474C>T, p.Arg492Trp (NM_001377516.1); c.1426C>T, p.Arg476Trp (NM_001377517.1); c.1411C>T, p.Arg471Trp (NM_001377518.1); c.1393C>T, p.Arg465Trp (NM_001377519.1); short protein forms R465W, R471W, R492W, R505W, R452W, R485W, R476W, R495W.
Identifiers: ClinVar variation 2962052 (VCV002962052.3), dbSNP rs2543395116, ClinGen allele CA390258294.
Genomic context (GRCh38, chr14:67,111,900, plus strand): 5'-CATGACCGGCTGTTATTATAGGGCACTGAAGAACTTGAAGTGCGAATTCTGGTGCAAGCT[C>T]GGCCAGGCCAAGATATCAGGTAACTTCAAAACACATAGAATATATAGCCTACTTTTGTTT-3'
Protein context (NP_065857.1, residues 475-495): ELEVRILVQA[Arg485Trp]PGQDIRPIGH